The following is an entry in ClinVar:

NM_004304.5(ALK):c.1843T>G (p.Trp615Gly)

Gene: ALK (ALK receptor tyrosine kinase; minus strand). Cytogenetic location: 2p23.2.
Variant type: single nucleotide variant.
Coding change: c.1843T>G on transcript NM_004304.5 (MANE Select); coding-DNA position 1843, T replaced by G.
Protein change: p.Trp615Gly; replaces tryptophan 615 with glycine.
Molecular consequence: missense variant.
Genome position (GRCh38, 1-based): chr2:29,275,471, A>C on the plus strand (T>G on the coding strand, the complement: ALK is on the minus strand). VCF-style: chr2-29275471-A-C. GRCh37 (hg19) VCF-style: chr2-29498337-A-C.
Other names: c.1843T>G (NM_004304.4); short protein forms W615G.
Identifiers: ClinVar variation 1017698 (VCV001017698.10), dbSNP rs774517608, ClinGen allele CA1594507.

ClinVar aggregate classification (germline): Uncertain significance. Review status: criteria provided, multiple submitters, no conflicts (2 of 4 stars). 2 submissions from 2 submitters: Uncertain significance (2). Last evaluated 2023-05-14.

Conditions:
Hereditary cancer-predisposing syndrome. Also called: Tumor predisposition; Hereditary Cancer Syndrome; Neoplastic Syndromes, Hereditary; Hereditary neoplastic syndrome. Identifiers: Orphanet 140162, MedGen C0027672, MeSH D009386, MONDO:0015356.
Neuroblastoma, susceptibility to, 3. Also called: ALK-Related Neuroblastic Tumor Susceptibility. Identifiers: Orphanet 635, MedGen C2751681, MONDO:0013083, OMIM 613014.

Allele frequency attached by ClinVar (database versions not stated): gnomAD exomes below 0.00001; ExAC 0.00001.
gnomAD v4.1: 5 of 1,614,158 alleles (0.00031%); highest among the groups gnomAD compares: Non-Finnish European, 0.00042%; no homozygotes.

Submissions (2):

Ambry Genetics
Classification: Uncertain significance for Hereditary cancer-predisposing syndrome. Last evaluated: 2023-05-14. Review status: criteria provided, single submitter. Criteria: Ambry Variant Classification Scheme 2023. Collection method: clinical testing. Allele origin: germline.
Comment: The p.W615G variant (also known as c.1843T>G), located in coding exon 10 of the ALK gene, results from a T to G substitution at nucleotide position 1843. The tryptophan at codon 615 is replaced by glycine, an amino acid with highly dissimilar properties. This amino acid position is conserved. In addition, the in silico prediction for this alteration is inconclusive. Since supporting evidence is limited at this time, the clinical significance of this alteration remains unclear.

Labcorp Genetics (formerly Invitae), Labcorp
Classification: Uncertain significance for Neuroblastoma, susceptibility to, 3. Last evaluated: 2020-02-28. Review status: criteria provided, single submitter. Criteria: Invitae Variant Classification Sherloc (09022015). Collection method: clinical testing. Allele origin: germline.
Comment: In summary, the available evidence is currently insufficient to determine the role of this variant in disease. Therefore, it has been classified as a Variant of Uncertain Significance. Algorithms developed to predict the effect of missense changes on protein structure and function (SIFT, PolyPhen-2, Align-GVGD) all suggest that this variant is likely to be disruptive, but these predictions have not been confirmed by published functional studies and their clinical significance is uncertain. This variant has not been reported in the literature in individuals with ALK-related conditions. This variant is present in population databases (rs774517608, ExAC 0.002%). This sequence change replaces tryptophan with glycine at codon 615 of the ALK protein (p.Trp615Gly). The tryptophan residue is highly conserved and there is a large physicochemical difference between tryptophan and glycine.